The following is an entry in ClinVar:

NM_000038.6(APC):c.3101A>T (p.Glu1034Val)

Gene: APC (APC regulator of Wnt signaling pathway; plus strand). Cytogenetic location: 5q22.2.
Variant type: single nucleotide variant.
Coding change: c.3101A>T on transcript NM_000038.6 (MANE Select); coding-DNA position 3101, A replaced by T.
Protein change: p.Glu1034Val; replaces glutamic acid 1034 with valine.
Molecular consequence: missense variant.
Genome position (GRCh38, 1-based): chr5:112,838,695, A>T. VCF-style: chr5-112838695-A-T. GRCh37 (hg19) VCF-style: chr5-112174392-A-T.
Other names: c.3101A>T, p.Glu1034Val (NM_001127510.3, NM_001354895.2); c.3047A>T, p.Glu1016Val (NM_001127511.3); c.3155A>T, p.Glu1052Val (NM_001354896.2); c.3131A>T, p.Glu1044Val (NM_001354897.2); c.3026A>T, p.Glu1009Val (NM_001354898.2); c.3017A>T, p.Glu1006Val (NM_001354899.2); c.2978A>T, p.Glu993Val (NM_001354900.2); c.2924A>T, p.Glu975Val (NM_001354901.2); and 5 more; short protein forms E1016V, E1034V, E1009V, E874V, E908V, E1006V, E1052V, E975V.
Identifiers: ClinVar variation 469907 (VCV000469907.10), dbSNP rs1554084689, ClinGen allele CA16028127.

ClinVar aggregate classification (germline): Uncertain significance (1 of 4 stars; one submission).

Conditions:
Familial adenomatous polyposis 1 (FAP1). Also called: POLYPOSIS, ADENOMATOUS INTESTINAL; FAMILIAL ADENOMATOUS POLYPOSIS 1, ATTENUATED. Identifiers: MedGen C2713442, MONDO:0021056, OMIM 175100. Disease mechanism: loss of function.

Submission:

Labcorp Genetics (formerly Invitae), Labcorp
Classification: Uncertain significance for Familial adenomatous polyposis 1. Last evaluated: 2017-05-09. Review status: criteria provided, single submitter. Criteria: Invitae Variant Classification Sherloc (09022015). Collection method: clinical testing. Allele origin: germline.
Comment: In summary, this variant is a novel missense change with uncertain impact on protein function. It has been classified as a Variant of Uncertain Significance. Algorithms developed to predict the effect of missense changes on protein structure and function do not agree on the potential impact of this missense change (SIFT: "Tolerated"; PolyPhen-2: "Probably Damaging"; Align-GVGD: "Class C0"). This variant is not present in population databases (ExAC no frequency) and has not been reported in the literature in individuals with an APC-related disease. This sequence change replaces glutamic acid with valine at codon 1034 of the APC protein (p.Glu1034Val). The glutamic acid residue is highly conserved and there is a moderate physicochemical difference between glutamic acid and valine.